The following is an entry in ClinVar:

NM_005173.4(ATP2A3):c.1896C>T (p.Ala632=)

Gene: ATP2A3 (ATPase sarcoplasmic/endoplasmic reticulum Ca2+ transporting 3; minus strand). Cytogenetic location: 17p13.2.
Variant type: single nucleotide variant.
Coding change: c.1896C>T on transcript NM_005173.4 (MANE Select); coding-DNA position 1896, C replaced by T.
Protein change: p.Ala632=; no amino-acid change (alanine 632 retained).
Molecular consequence: synonymous variant.
Genome position (GRCh38, 1-based): chr17:3,941,175, G>A on the plus strand (C>T on the coding strand, the complement: ATP2A3 is on the minus strand). VCF-style: chr17-3941175-G-A. GRCh37 (hg19) VCF-style: chr17-3844469-G-A.
Other names: c.1896C>T, p.Ala632= (NM_174953.3, NM_174954.3, NM_174955.3 and 3 more transcripts).
Identifiers: ClinVar variation 3039302 (VCV003039302.2), dbSNP rs141946822, ClinGen allele CA8297031.

ClinVar aggregate classification (germline): Benign (0 of 4 stars; one submission).

Conditions:
ATP2A3-related disorder. Also called: ATP2A3-related condition.

Allele frequency attached by ClinVar (database versions not stated): gnomAD exomes 0.00028; ExAC 0.00078; gnomAD 0.00202; ESP Exome Variant Server 0.00223; 1000 Genomes Project 0.00260; 1000 Genomes Project 30x 0.00265; TOPMed 0.00291.
gnomAD v4.1: 747 of 1,614,136 alleles (0.046%); highest among the groups gnomAD compares: African/African-American, 0.8%; 2 homozygotes.

Submission:

PreventionGenetics, part of Exact Sciences
Classification: Benign for ATP2A3-related condition. Last evaluated: 2019-11-25. Review status: no assertion criteria provided. Collection method: clinical testing. Allele origin: germline.
Comment: This variant is classified as benign based on ACMG/AMP sequence variant interpretation guidelines (Richards et al. 2015 PMID: 25741868, with internal and published modifications).